The following is an entry in ClinVar:

ClinVar aggregate classification (germline): Uncertain significance (1 of 4 stars; one submission).

Conditions:
Cohen syndrome (COH1). Also called: PEPPER SYNDROME; Cutis verticis gyrata, retinitis pigmentosa, and sensorineural deafness. Identifiers: Orphanet 193, MedGen C0265223, MONDO:0008999, OMIM 216550.

Submission:

Labcorp Genetics (formerly Invitae), Labcorp
Classification: Uncertain significance for Cohen syndrome. Last evaluated: 2024-08-12. Review status: criteria provided, single submitter. Criteria: Invitae Variant Classification Sherloc (09022015). Collection method: clinical testing. Allele origin: germline.
Comment: This sequence change affects the initiator methionine of the VPS13B mRNA. The next in-frame methionine is located at codon 11. This variant is not present in population databases (gnomAD no frequency). Disruption of the initiator codon has been observed in individual(s) with clinical features of VPS13B-related conditions (PMID: 26539891). ClinVar contains an entry for this variant (Variation ID: 2029081). Experimental studies and prediction algorithms are not available or were not evaluated, and the functional significance of this variant is currently unknown. In summary, the available evidence is currently insufficient to determine the role of this variant in disease. Therefore, it has been classified as a Variant of Uncertain Significance.

Literature cited by the submitters: PubMed 26539891.

NM_152564.5(VPS13B):c.1A>T (p.Met1Leu)

Gene: VPS13B (vacuolar protein sorting 13 homolog B; plus strand). Cytogenetic location: 8q22.2.
Variant type: single nucleotide variant.
Coding change: c.1A>T on transcript NM_152564.5 (MANE Select); coding-DNA position 1, A replaced by T.
Protein change: p.Met1Leu; changes the start codon (methionine 1).
Molecular consequence: missense variant, initiator codon variant. On other transcripts: non-coding transcript variant (1).
Genome position (GRCh38, 1-based): chr8:99,013,789, A>T. VCF-style: chr8-99013789-A-T. GRCh37 (hg19) VCF-style: chr8-100026017-A-T.
Other names: c.1A>T, p.Met1Leu (NM_015243.3, NM_017890.5, NM_181661.3); short protein forms M1L.
Identifiers: ClinVar variation 2029081 (VCV002029081.5), dbSNP rs2488083379, ClinGen allele CA371855978.